The following is an entry in ClinVar:

NM_014000.3(VCL):c.2332A>G (p.Lys778Glu)

Gene: VCL (vinculin; plus strand). Cytogenetic location: 10q22.2.
Variant type: single nucleotide variant.
Coding change: c.2332A>G on transcript NM_014000.3 (MANE Select); coding-DNA position 2332, A replaced by G.
Protein change: p.Lys778Glu; replaces lysine 778 with glutamic acid.
Molecular consequence: missense variant.
Genome position (GRCh38, 1-based): chr10:74,105,251, A>G. VCF-style: chr10-74105251-A-G. GRCh37 (hg19) VCF-style: chr10-75865009-A-G.
Other names: c.2332A>G, p.Lys778Glu (NM_003373.4); short protein forms K778E.
Identifiers: ClinVar variation 854509 (VCV000854509.9), dbSNP rs1840113067, ClinGen allele CA377262544.
Genomic context (GRCh38, chr10:74,105,251, plus strand): 5'-CGTCGGGCCAACCGGATCCTGCTGGTGGCTAAGAGGGAGGTGGAGAATTCCGAGGATCCC[A>G]AGTTCCGTGAGGCTGTGAAAGCTGCCTCTGATGAATTGAGCAAAACCATCTCCCCGATGG-3'
Protein context (NP_054706.1, residues 768-788): KREVENSEDP[Lys778Glu]FREAVKAASD

ClinVar aggregate classification (germline): Uncertain significance. Review status: criteria provided, multiple submitters, no conflicts (2 of 4 stars). 2 submissions from 2 submitters: Uncertain significance (2). Last evaluated 2024-09-11.

Conditions:
Dilated cardiomyopathy 1W (CMD1W). Identifiers: Orphanet 154, MedGen C1969639, MONDO:0012667, OMIM 611407.
Cardiovascular phenotype. Identifiers: MedGen CN230736.

Allele frequency attached by ClinVar (database versions not stated): TOPMed below 0.00001; gnomAD 0.00001; gnomAD exomes 0.00001.
gnomAD v4.1: 5 of 1,613,992 alleles (0.00031%); highest among the groups gnomAD compares: Admixed American, 0.0067%; no homozygotes.

Submissions (2):

Labcorp Genetics (formerly Invitae), Labcorp
Classification: Uncertain significance for Dilated cardiomyopathy 1W. Last evaluated: 2024-09-11. Review status: criteria provided, single submitter. Criteria: Invitae Variant Classification Sherloc (09022015). Collection method: clinical testing. Allele origin: germline.
Comment: This sequence change replaces lysine, which is basic and polar, with glutamic acid, which is acidic and polar, at codon 778 of the VCL protein (p.Lys778Glu). This variant is not present in population databases (gnomAD no frequency). This variant has not been reported in the literature in individuals affected with VCL-related conditions. ClinVar contains an entry for this variant (Variation ID: 854509). An algorithm developed to predict the effect of missense changes on protein structure and function (PolyPhen-2) suggests that this variant is likely to be tolerated. In summary, the available evidence is currently insufficient to determine the role of this variant in disease. Therefore, it has been classified as a Variant of Uncertain Significance.

Ambry Genetics
Classification: Uncertain significance for Cardiovascular phenotype. Last evaluated: 2024-02-28. Review status: criteria provided, single submitter. Criteria: Ambry Variant Classification Scheme 2023. Collection method: clinical testing. Allele origin: germline.